The following is an entry in ClinVar:

ClinVar aggregate classification (germline): Uncertain significance (1 of 4 stars; one submission).

Submission:

GeneDx
Classification: Uncertain significance. Last evaluated: 2025-08-16. Review status: criteria provided, single submitter. Criteria: GeneDx Variant Classification Process June 2021. Collection method: clinical testing. Allele origin: germline. Affected: yes.
Comment: Not observed at significant frequency in large population cohorts (gnomAD); In silico analysis supports that this missense variant has a deleterious effect on protein structure/function; Has not been previously published as pathogenic or benign to our knowledge

NM_001348768.2(HECW2):c.3101A>T (p.His1034Leu)

Gene: HECW2 (HECT, C2 and WW domain containing E3 ubiquitin protein ligase 2; minus strand). Cytogenetic location: 2q32.3.
Variant type: single nucleotide variant.
Coding change: c.3101A>T on transcript NM_001348768.2 (MANE Select); coding-DNA position 3101, A replaced by T.
Protein change: p.His1034Leu; replaces histidine 1034 with leucine.
Molecular consequence: missense variant.
Genome position (GRCh38, 1-based): chr2:196,278,562, T>A on the plus strand (A>T on the coding strand, the complement: HECW2 is on the minus strand). VCF-style: chr2-196278562-T-A. GRCh37 (hg19) VCF-style: chr2-197143286-T-A.
Other names: c.2033A>T, p.His678Leu (NM_001304840.3); c.3101A>T, p.His1034Leu (NM_020760.4); short protein forms H1034L, H678L.
Identifiers: ClinVar variation 4795360 (VCV004795360.1).